The following is an entry in ClinVar:

ClinVar aggregate classification (germline): Uncertain significance. Review status: criteria provided, multiple submitters, no conflicts (2 of 4 stars). 3 submissions from 3 submitters: Uncertain significance (3). Last evaluated 2024-12-02.

Conditions:
Inborn genetic diseases. Identifiers: MedGen C0950123, MeSH D030342.
Leber congenital amaurosis 3 (LCA3). Also called: SPATA7-Related Retinitis Pigmentosa. Identifiers: MedGen C1858677, MONDO:0011415, OMIM 604232.
SPATA7-related disorder. Also called: SPATA7-related condition; SPATA7-related disorders. Identifiers: MedGen CN239422.

Allele frequency attached by ClinVar (database versions not stated): gnomAD exomes 0.00004 and 0.00006; TOPMed 0.00005; gnomAD 0.00007 and 0.00008; ESP Exome Variant Server 0.00008; ExAC 0.00010.
gnomAD v4.1: 73 of 1,603,580 alleles (0.0046%); highest among the groups gnomAD compares: Middle Eastern, 0.017%; no homozygotes.

Submissions (3):

Labcorp Genetics (formerly Invitae), Labcorp
Classification: Uncertain significance for Leber congenital amaurosis 3. Last evaluated: 2024-12-02. Review status: criteria provided, single submitter. Criteria: Invitae Variant Classification Sherloc (09022015). Collection method: clinical testing. Allele origin: germline.
Comment: This sequence change replaces serine, which is neutral and polar, with threonine, which is neutral and polar, at codon 115 of the SPATA7 protein (p.Ser115Thr). This variant is present in population databases (rs373779457, gnomAD 0.02%). This variant has not been reported in the literature in individuals affected with SPATA7-related conditions. ClinVar contains an entry for this variant (Variation ID: 855468). Invitae Evidence Modeling of protein sequence and biophysical properties (such as structural, functional, and spatial information, amino acid conservation, physicochemical variation, residue mobility, and thermodynamic stability) indicates that this missense variant is not expected to disrupt SPATA7 protein function with a negative predictive value of 80%. In summary, the available evidence is currently insufficient to determine the role of this variant in disease. Therefore, it has been classified as a Variant of Uncertain Significance.

PreventionGenetics, part of Exact Sciences
Classification: Uncertain significance for SPATA7-related condition. Last evaluated: 2024-10-14. Review status: criteria provided, single submitter. Criteria: ACMG Guidelines, 2015. Collection method: clinical testing. Allele origin: germline.
Comment: The SPATA7 c.343T>A variant is predicted to result in the amino acid substitution p.Ser115Thr. To our knowledge, this variant has not been reported in the literature. This variant is reported in 0.014% of alleles in individuals of European (Non-Finnish) descent in gnomAD. At this time, the clinical significance of this variant is uncertain due to the absence of conclusive functional and genetic evidence.

Ambry Genetics
Classification: Uncertain significance for Inborn genetic diseases. Last evaluated: 2024-04-23. Review status: criteria provided, single submitter. Criteria: Ambry Variant Classification Scheme 2023. Collection method: clinical testing. Allele origin: germline.

NM_018418.5(SPATA7):c.343T>A (p.Ser115Thr)

Gene: SPATA7 (spermatogenesis associated 7; plus strand). Cytogenetic location: 14q31.3.
Variant type: single nucleotide variant.
Coding change: c.343T>A on transcript NM_018418.5 (MANE Select); coding-DNA position 343, T replaced by A.
Protein change: p.Ser115Thr; replaces serine 115 with threonine.
Molecular consequence: missense variant.
Genome position (GRCh38, 1-based): chr14:88,416,815, T>A. VCF-style: chr14-88416815-T-A. GRCh37 (hg19) VCF-style: chr14-88883159-T-A.
Other names: c.247T>A, p.Ser83Thr (NM_001040428.4); short protein forms S83T, S115T.
Identifiers: ClinVar variation 855468 (VCV000855468.7), dbSNP rs373779457, ClinGen allele CA7298497.